The following is an entry in ClinVar:

ClinVar aggregate classification (germline): Uncertain significance (1 of 4 stars; one submission).

Allele frequency attached by ClinVar (database versions not stated): gnomAD exomes below 0.00001; gnomAD 0.00001; TOPMed 0.00001.

Submission:

Ambry Genetics
Classification: Uncertain significance. Last evaluated: 2024-09-24. Review status: criteria provided, single submitter. Criteria: Ambry Variant Classification Scheme 2023. Collection method: clinical testing. Allele origin: germline.
Comment: The p.K91E variant (also known as c.271A>G), located in coding exon 3 of the RECQL gene, results from an A to G substitution at nucleotide position 271. The lysine at codon 91 is replaced by glutamic acid, an amino acid with similar properties. This amino acid position is conserved. In addition, this alteration is predicted to be tolerated by in silico analysis. Since supporting evidence is limited at this time, the clinical significance of this alteration remains unclear.

NM_002907.4(RECQL):c.271A>G (p.Lys91Glu)

Gene: RECQL (RecQ like helicase; minus strand). Cytogenetic location: 12p12.1.
Variant type: single nucleotide variant.
Coding change: c.271A>G on transcript NM_002907.4 (MANE Select); coding-DNA position 271, A replaced by G.
Protein change: p.Lys91Glu; replaces lysine 91 with glutamic acid.
Molecular consequence: missense variant.
Genome position (GRCh38, 1-based): chr12:21,490,322, T>C on the plus strand (A>G on the coding strand, the complement: RECQL is on the minus strand). VCF-style: chr12-21490322-T-C. GRCh37 (hg19) VCF-style: chr12-21643256-T-C.
Other names: c.271A>G, p.Lys91Glu (NM_032941.3); short protein forms K91E.
Identifiers: ClinVar variation 1795151 (VCV001795151.3), dbSNP rs1341650880, ClinGen allele CA384133240.